The following is an entry in ClinVar:

ClinVar aggregate classification (germline): Pathogenic/Likely pathogenic. Review status: criteria provided, multiple submitters, no conflicts (2 of 4 stars). 2 submissions from 2 submitters: Pathogenic (1); Likely pathogenic (1). Last evaluated 2019-12-09.

Conditions:
Primary dilated cardiomyopathy (DCM). Also called: Dilated Cardiomyopathy. Identifiers: Orphanet 217604, MedGen C0007193, MeSH D002311, MONDO:0005021, HP:0001644. Inheritance: Various modes of inheritance.
Cardiovascular phenotype. Identifiers: MedGen CN230736.

Submissions (2):

Ambry Genetics
Classification: Likely pathogenic for Cardiovascular phenotype. Last evaluated: 2019-12-09. Review status: criteria provided, single submitter. Criteria: Ambry Variant Classification Scheme 2023. Collection method: clinical testing. Allele origin: germline.
Comment: The c.31643delA variant, located in coding exon 126 of the TTN gene, results from a deletion of one nucleotide at nucleotide position 31643, causing a translational frameshift with a predicted alternate stop codon (p.Y10548Sfs*33). This exon is located in the A-band region of the N2-B isoform of the titin protein and is constitutively expressed in TTN transcripts (percent spliced in or PSI 100%). While truncating variants in TTN are present in 1-3% of the general population, truncating variants in the A-band are the most common cause of dilated cardiomyopathy (DCM) (Herman DS et al. N. Engl. J. Med. 2012 Feb;366:619-28; Roberts AM et al. Sci Transl Med. 2015 Jan;7:270ra6). TTN truncating variants encoded in constitutive exons (PSI >90%) have been found to be significantly associated with DCM regardless of their position in titin (Schafer S et al. Nat. Genet. 2017 Jan;49:46-53). This alteration is expected to result in loss of function by premature protein truncation or nonsense-mediated mRNA decay. As such, this alteration is classified as likely pathogenic.

Center for Advanced Laboratory Medicine, UC San Diego Health, University of California San Diego
Classification: Pathogenic for Dilated cardiomyopathy. Last evaluated: 2018-04-18. Review status: criteria provided, single submitter. Criteria: ACMG Guidelines, 2015. Collection method: clinical testing. Allele origin: germline. Affected: yes. Observed: 1 variant allele.

NM_001267550.2(TTN):c.58838del (p.Tyr19613fs)

Genes: TTN (titin; minus strand), TTN-AS1 (TTN antisense RNA 1; plus strand). Cytogenetic location: 2q31.2.
Variant type: Deletion.
Coding change: c.58838del on transcript NM_001267550.2 (MANE Select); coding-DNA position 58838, one base deleted (A; older notation c.58838delA).
Protein change: p.Tyr19613fs; shifts the reading frame from tyrosine 19613.
Molecular consequence: frameshift variant.
Genome position (GRCh38, 1-based): chr2:178,593,370, T deleted on the plus strand (A on the coding strand, the reverse complement: TTN is on the minus strand). VCF-style (leftmost placement, unchanged base first): chr2-178593369-GT-G. GRCh37 (hg19) VCF-style: chr2-179458096-GT-G.
Other names: c.53915del, p.Tyr17972fs (NM_001256850.1); c.31643del, p.Tyr10548fs (NM_003319.4); c.51134del, p.Tyr17045fs (NM_133378.4); c.32018del, p.Tyr10673fs (NM_133432.3); c.32219del, p.Tyr10740fs (NM_133437.4); c.31643delA (NM_003319.4); short protein forms Y17045fs, Y19613fs, Y10548fs, Y10673fs, Y10740fs, Y17972fs.
Identifiers: ClinVar variation 691690 (VCV000691690.3), dbSNP rs1576141328, ClinGen allele CA915942209.